The following is an entry in ClinVar:

ClinVar aggregate classification (germline): Conflicting classifications of pathogenicity. Review status: criteria provided, conflicting classifications (1 of 4 stars). 15 submissions from 15 submitters: Uncertain significance (9); Likely benign (4). 2 of the submissions do not count toward it. Last evaluated 2025-12-23.

Conditions:
TTN-related disorder. Also called: TTN-related disorders; TTN-related condition; TTN-related disease.
Cardiovascular phenotype. Identifiers: MedGen CN230736.
Dilated cardiomyopathy 1G (CMD1G). Identifiers: Orphanet 154, MedGen C1858763, MONDO:0011400, OMIM 604145.
Autosomal recessive limb-girdle muscular dystrophy type 2J (LGMDR10). Also called: Limb-girdle muscular dystrophy, type 2J; MUSCULAR DYSTROPHY, LIMB-GIRDLE, AUTOSOMAL RECESSIVE 10. Identifiers: Orphanet 140922, MedGen C1837342, MONDO:0012127, OMIM 608807.
Cardiomyopathy (CMYO). Also called: Cardiomyopathies. Identifiers: Orphanet 167848, MedGen C0878544, MONDO:0004994, HP:0001638. Inheritance: Various modes of inheritance.

Allele frequency attached by ClinVar (database versions not stated): gnomAD 0.00005 and 0.00007; TOPMed 0.00008; ExAC 0.00009; gnomAD exomes 0.00009 and 0.00011; ESP Exome Variant Server 0.00017.
gnomAD v4.1: 166 of 1,612,746 alleles (0.01%); highest among the groups gnomAD compares: Non-Finnish European, 0.013%; no homozygotes.

Submissions (15):

PreventionGenetics, part of Exact Sciences
Classification: Uncertain significance for TTN-related condition. Last evaluated: 2025-12-23. Review status: criteria provided, single submitter. Criteria: ACMG Guidelines, 2015. Collection method: clinical testing. Allele origin: germline.
Comment: The TTN c.56947G>A variant is predicted to result in the amino acid substitution p.Ala18983Thr. This variant was reported in the compound heterozygous state with another TTN missense variant in a patient with muscular dystrophy (reported as p.Ala16415Thr in Table 2, Vasli et al. 2012. PubMed ID: 22526018). This variant was also reported in one individual from a large dilated cardiomyopathy cohort study (Supplemental Table 3, Mazzarotto et al. 2020. PubMed ID: 31983221) and in another with hypertrophic cardiomyopathy (reported as p.A9918T in Table S1, Lopes et al. 2013. PubMed ID: 23396983). This variant is reported in 0.018% of alleles in individuals of European (non-Finnish) descent in gnomAD, which is likely too common for autosomal dominant TTN-related disorders. At this time, the clinical significance of this variant is uncertain due to the absence of conclusive functional and genetic evidence.

Mayo Clinic Laboratories, Mayo Clinic
Classification: Uncertain significance. Last evaluated: 2025-06-21. Review status: criteria provided, single submitter. Criteria: ACMG Guidelines, 2015. Collection method: clinical testing. Allele origin: germline. Observed: 2 variant alleles.
Comment: BP4

Molecular Diagnostic Laboratory for Inherited Cardiovascular Disease, Montreal Heart Institute
Classification: Likely benign. Last evaluated: 2025-04-09. Review status: criteria provided, single submitter. Criteria: ACMG Guidelines, 2015. Collection method: clinical testing. Allele origin: germline. Affected: no.
Comment: BP1

Blueprint Genetics
Classification: Likely benign. Last evaluated: 2024-11-21. Review status: criteria provided, single submitter. Criteria: ACMG Guidelines, 2015. Collection method: clinical testing. Allele origin: germline.

Revvity Omics, Revvity
Classification: Uncertain significance. Last evaluated: 2024-03-28. Review status: criteria provided, single submitter. Criteria: ACMG Guidelines, 2015. Collection method: clinical testing. Allele origin: germline.

Athena Diagnostics
Classification: Uncertain significance. Last evaluated: 2023-10-20. Review status: criteria provided, single submitter. Criteria: Athena Diagnostics Criteria. Collection method: clinical testing. Allele origin: unknown.
Comment: Available data are insufficient to determine the clinical significance of the variant at this time. The frequency of this variant in the general population is higher than would generally be expected for pathogenic variants in this gene. Computational tools predict that this variant is not damaging.

CHEO Genetics Diagnostic Laboratory, Children's Hospital of Eastern Ontario
Classification: Uncertain significance for Cardiomyopathy. Last evaluated: 2021-11-04. Review status: criteria provided, single submitter. Criteria: ACMG Guidelines, 2015. Collection method: clinical testing. Allele origin: germline. Study: Canadian Open Genetics Repository.

Women's Health and Genetics/Laboratory Corporation of America, LabCorp
Classification: Uncertain significance. Last evaluated: 2021-08-23. Review status: criteria provided, single submitter. Criteria: LabCorp Variant Classification Summary - May 2015. Collection method: clinical testing. Allele origin: germline.
Comment: Variant summary: TTN c.49243G>A (p.Ala16415Thr) results in a non-conservative amino acid change located in the A-band domain of the encoded protein sequence. Three of five in-silico tools predict a damaging effect of the variant on protein function. The variant allele was found at a frequency of 9.6e-05 in 249438 control chromosomes (gnomAD and publication data). This frequency is not significantly higher than expected for a pathogenic variant in TTN causing Dilated Cardiomyopathy (9.6e-05 vs 0.00039), allowing no conclusion about variant significance. c.49243G>A has been reported in the literature in individuals affected with Dilated cardiomyopathy, Hypertrophic cardiomyopathy and Muscular dystrophy as well as in one healthy control (Vasli_2012, Lopes_2013, Mazzarotto_2020). These reports do not provide unequivocal conclusions about association of the variant with Dilated Cardiomyopathy. To our knowledge, no experimental evidence demonstrating an impact on protein function has been reported. Five ClinVar submitters (evaluation after 2014) cite the variant as uncertain significance (n=4) and likely benign (n=1). Based on the evidence outlined above, the variant was classified as uncertain significance.

GeneDx
Classification: Likely benign. Last evaluated: 2020-12-15. Review status: criteria provided, single submitter. Criteria: GeneDx Variant Classification Process June 2021. Collection method: clinical testing. Allele origin: germline. Affected: yes.
Comment: This variant is associated with the following publications: (PMID: 22526018, 23446887, 31983221)

Laboratory for Molecular Medicine, Mass General Brigham Personalized Medicine
Classification: Likely benign. Last evaluated: 2018-11-09. Review status: criteria provided, single submitter. Criteria: LMM Criteria. Collection method: clinical testing. Allele origin: germline. Observed: 1 variant allele.
Comment: proposed classification - variant undergoing re-assessment, contact laboratory

Ambry Genetics
Classification: Uncertain significance for Cardiovascular phenotype. Last evaluated: 2018-07-05. Review status: criteria provided, single submitter. Criteria: Ambry Variant Classification Scheme 2023. Collection method: clinical testing. Allele origin: germline.
Comment: The p.A9918T variant (also known as c.29752G>A), located in coding exon 118 of the TTN gene, results from a G to A substitution at nucleotide position 29752. The alanine at codon 9918 is replaced by threonine, an amino acid with similar properties. This alteration was also identified in a hypertrophic cardiomyopathy cohort; however, clinical details were limited (Lopes LR et al. J. Med. Genet. 2013;50:228-39). This amino acid position is highly conserved through mammals but not in all available vertebrate species. In addition, the in silico prediction for this alteration is inconclusive. Since supporting evidence is limited at this time, the clinical significance of this alteration remains unclear.

Labcorp Genetics (formerly Invitae), Labcorp
Classification: Uncertain significance for Dilated cardiomyopathy 1G; Autosomal recessive limb-girdle muscular dystrophy type 2J. Last evaluated: 2017-06-26. Review status: criteria provided, single submitter. Criteria: Invitae Variant Classification Sherloc (09022015). Collection method: clinical testing. Allele origin: germline.

Eurofins Ntd Llc (ga)
Classification: Uncertain significance. Last evaluated: 2016-10-14. Review status: criteria provided, single submitter. Criteria: EGL Classification Definitions 2015. Collection method: clinical testing. Allele origin: germline. Observed: 1 variant allele, 1 heterozygote.

Clinical Genetics, Academic Medical Center
Classification: Uncertain significance. Review status: no assertion criteria provided. Collection method: clinical testing. Allele origin: germline. Affected: yes. Study: VKGL Data-share Consensus. Not counted in ClinVar's aggregate classification.

Diagnostic Laboratory, Department of Genetics, University Medical Center Groningen
Classification: Uncertain significance. Review status: no assertion criteria provided. Collection method: clinical testing. Allele origin: germline. Affected: yes. Study: VKGL Data-share Consensus. Not counted in ClinVar's aggregate classification.

Literature cited by the submitters: PubMed 22526018 (cited by 4 submitters); PubMed 23446887 (cited by Mayo Clinic Laboratories, Mayo Clinic and Women's Health and Genetics/Laboratory Corporation of America, LabCorp); PubMed 31218166 (cited by Mayo Clinic Laboratories, Mayo Clinic and Women's Health and Genetics/Laboratory Corporation of America, LabCorp); PubMed 31664938 (cited by Mayo Clinic Laboratories, Mayo Clinic and Athena Diagnostics); PubMed 31983221 (cited by 3 submitters); PubMed 25898921 (cited by Athena Diagnostics and Women's Health and Genetics/Laboratory Corporation of America, LabCorp); PubMed 30847666 (cited by Athena Diagnostics); PubMed 23396983 (cited by Women's Health and Genetics/Laboratory Corporation of America, LabCorp and Ambry Genetics); PubMed 24625729 (cited by Women's Health and Genetics/Laboratory Corporation of America, LabCorp).

NM_001267550.2(TTN):c.56947G>A (p.Ala18983Thr)

Genes: TTN (titin; minus strand), TTN-AS1 (TTN antisense RNA 1; plus strand). Cytogenetic location: 2q31.2.
Variant type: single nucleotide variant.
Coding change: c.56947G>A on transcript NM_001267550.2 (MANE Select); coding-DNA position 56947, G replaced by A.
Protein change: p.Ala18983Thr; replaces alanine 18983 with threonine.
Molecular consequence: missense variant.
Genome position (GRCh38, 1-based): chr2:178,598,763, C>T on the plus strand (G>A on the coding strand, the complement: TTN is on the minus strand). VCF-style: chr2-178598763-C-T. GRCh37 (hg19) VCF-style: chr2-179463490-C-T.
Other names: p.Ala17342Thr; c.56947G>A (NM_001267550.1); c.52024G>A, p.Ala17342Thr (NM_001256850.1); c.49243G>A, p.Ala16415Thr (NM_133378.4); c.29752G>A, p.Ala9918Thr (NM_003319.4); c.30127G>A, p.Ala10043Thr (NM_133432.3); c.30328G>A, p.Ala10110Thr (NM_133437.4); short protein forms A16415T, A18983T, A17342T, A10043T, A10110T, A9918T.
Identifiers: ClinVar variation 229467 (VCV000229467.32), dbSNP rs377000174, ClinGen allele CA1993151.